The following is an entry in ClinVar:

ClinVar aggregate classification (germline): Likely benign (0 of 4 stars; one submission).

Conditions:
UGT1A9-related disorder. Also called: UGT1A9-related condition.

Allele frequency attached by ClinVar (database versions not stated): 1000 Genomes Project 0.00040; 1000 Genomes Project 30x 0.00047; gnomAD exomes 0.00092; ExAC 0.00105; gnomAD 0.00105; ESP Exome Variant Server 0.00108; TOPMed 0.00134.
gnomAD v4.1: 1,499 of 1,613,976 alleles (0.093%); highest among the groups gnomAD compares: Admixed American, 0.17%; 4 homozygotes.

Submission:

PreventionGenetics, part of Exact Sciences
Classification: Likely benign for UGT1A9-related condition. Last evaluated: 2024-08-15. Review status: no assertion criteria provided. Collection method: clinical testing. Allele origin: germline.
Comment: This variant is classified as likely benign based on ACMG/AMP sequence variant interpretation guidelines (Richards et al. 2015 PMID: 25741868, with internal and published modifications).

NM_021027.3(UGT1A9):c.500T>C (p.Val167Ala)

Genes: UGT1A (UDP glucuronosyltransferase family 1 member A complex locus; plus strand), UGT1A10 (UDP glucuronosyltransferase family 1 member A10; plus strand), UGT1A8 (UDP glucuronosyltransferase family 1 member A8; plus strand), UGT1A9 (UDP glucuronosyltransferase family 1 member A9; plus strand). Cytogenetic location: 2q37.1.
Variant type: single nucleotide variant.
Coding change: c.500T>C on transcript NM_021027.3 (MANE Select); coding-DNA position 500, T replaced by C.
Protein change: p.Val167Ala; replaces valine 167 with alanine.
Molecular consequence: missense variant. On other transcripts: intron variant (2).
Genome position (GRCh38, 1-based): chr2:233,672,434, T>C. VCF-style: chr2-233672434-T-C. GRCh37 (hg19) VCF-style: chr2-234581080-T-C.
Other names: c.855+53872T>C (NM_019076.5); c.855+35057T>C (NM_019075.4); short protein forms V167A.
Identifiers: ClinVar variation 3046264 (VCV003046264.2), dbSNP rs151238339, ClinGen allele CA2178061.